The following is an entry in ClinVar:

ClinVar aggregate classification (germline): Uncertain significance (1 of 4 stars; one submission).

Submission:

Labcorp Genetics (formerly Invitae), Labcorp
Classification: Uncertain significance. Last evaluated: 2023-02-27. Review status: criteria provided, single submitter. Criteria: Invitae Variant Classification Sherloc (09022015). Collection method: clinical testing. Allele origin: germline.
Comment: Advanced modeling of protein sequence and biophysical properties (such as structural, functional, and spatial information, amino acid conservation, physicochemical variation, residue mobility, and thermodynamic stability) performed at Invitae indicates that this missense variant is not expected to disrupt ROM1 protein function. This variant has not been reported in the literature in individuals affected with ROM1-related conditions. This variant is not present in population databases (gnomAD no frequency). This sequence change replaces glutamic acid, which is acidic and polar, with glycine, which is neutral and non-polar, at codon 305 of the ROM1 protein (p.Glu305Gly). In summary, the available evidence is currently insufficient to determine the role of this variant in disease. Therefore, it has been classified as a Variant of Uncertain Significance.

NM_000327.4(ROM1):c.914A>G (p.Glu305Gly)

Gene: ROM1 (retinal outer segment membrane protein 1; plus strand). Cytogenetic location: 11q12.3.
Variant type: single nucleotide variant.
Coding change: c.914A>G on transcript NM_000327.4 (MANE Select); coding-DNA position 914, A replaced by G.
Protein change: p.Glu305Gly; replaces glutamic acid 305 with glycine.
Molecular consequence: missense variant.
Genome position (GRCh38, 1-based): chr11:62,614,697, A>G. VCF-style: chr11-62614697-A-G. GRCh37 (hg19) VCF-style: chr11-62382169-A-G.
Other names: short protein forms E305G.
Identifiers: ClinVar variation 2785348 (VCV002785348.3), dbSNP rs2496227776, ClinGen allele CA380973004.